The following is an entry in ClinVar:

ClinVar aggregate classification (germline): Pathogenic/Likely pathogenic. Review status: criteria provided, multiple submitters, no conflicts (2 of 4 stars). 3 submissions from 3 submitters: Pathogenic (1); Likely pathogenic (2). Last evaluated 2025-06-20.

Conditions:
Cenani-Lenz syndactyly syndrome. Also called: SYNDACTYLY, TYPE VII; CENANI SYNDACTYLISM. Identifiers: Orphanet 3258, MedGen C1859309, MONDO:0008931, OMIM 212780.
Sclerosteosis 2 (SOST2). Identifiers: Orphanet 3152, MedGen C3280402, MONDO:0013679, OMIM 614305.
Congenital myasthenic syndrome 17. Identifiers: Orphanet 590, MedGen C4225377, MONDO:0014578, OMIM 616304.
Abnormality of the musculature. Identifiers: MedGen C4021745, HP:0003011.

Allele frequency attached by ClinVar (database versions not stated): gnomAD exomes below 0.00001.
gnomAD v4.1: 5 of 1,614,018 alleles (0.00031%); highest among the groups gnomAD compares: Middle Eastern, 0.033%; no homozygotes.

Submissions (3):

First Genomix Gene Laboratory, Genetic Diagnostics Department
Classification: Likely pathogenic for Congenital myasthenic syndrome 17; Cenani-Lenz syndactyly syndrome; Sclerosteosis 2. Last evaluated: 2025-06-20. Review status: criteria provided, single submitter. Criteria: ACMG Guidelines, 2015. Collection method: clinical testing. Allele origin: germline. Inheritance: Autosomal recessive inheritance. Affected: no. Observed: 1 variant allele.

GeneDx
Classification: Pathogenic. Last evaluated: 2024-08-15. Review status: criteria provided, single submitter. Criteria: GeneDx Variant Classification Process June 2021. Collection method: clinical testing. Allele origin: germline. Affected: yes.
Comment: Published functional studies demonstrate a damaging effect due to altered MuSK signaling through reduced MuSK binding and a reduction in downstream ATF2 activation (PMID: 26052878); Not observed at significant frequency in large population cohorts (gnomAD); In silico analysis supports that this missense variant has a deleterious effect on protein structure/function; This variant is associated with the following publications: (PMID: 36344539, 26052878, 38374194, 38101565)

Kariminejad - Najmabadi Pathology & Genetics Center
Classification: Likely pathogenic for Abnormality of the musculature. Last evaluated: 2021-07-10. Review status: criteria provided, single submitter. Criteria: ACMG Guidelines, 2015. Collection method: clinical testing. Allele origin: germline. Affected: yes.

NM_002334.4(LRP4):c.3698A>C (p.Glu1233Ala)

Gene: LRP4 (LDL receptor related protein 4; minus strand). Cytogenetic location: 11p11.2.
Variant type: single nucleotide variant.
Coding change: c.3698A>C on transcript NM_002334.4 (MANE Select); coding-DNA position 3698, A replaced by C.
Protein change: p.Glu1233Ala; replaces glutamic acid 1233 with alanine.
Molecular consequence: missense variant.
Genome position (GRCh38, 1-based): chr11:46,875,805, T>G on the plus strand (A>C on the coding strand, the complement: LRP4 is on the minus strand). VCF-style: chr11-46875805-T-G. GRCh37 (hg19) VCF-style: chr11-46897356-T-G.
Other names: c.3698A>C (NM_002334.3); short protein forms E1233A.
Identifiers: ClinVar variation 1180722 (VCV001180722.6), dbSNP rs1940998166, ClinGen allele CA380272911.